The following is an entry in ClinVar:

ClinVar aggregate classification (germline): Benign. Review status: criteria provided, multiple submitters, no conflicts (2 of 4 stars). 2 submissions from 2 submitters: Benign (2). Last evaluated 2018-01-12.

Conditions:
Episodic ataxia type 5. Identifiers: Orphanet 211067, MedGen C1866039, MONDO:0013464, OMIM 613855.

Allele frequency attached by ClinVar (database versions not stated): gnomAD 0.05230 and 0.05949; TOPMed 0.05390; 1000 Genomes Project 30x 0.11087; 1000 Genomes Project 0.11861.

Submissions (2):

Illumina Laboratory Services, Illumina
Classification: Benign for Episodic ataxia type 5. Last evaluated: 2018-01-12. Review status: criteria provided, single submitter. Criteria: ICSL Variant Classification Criteria 13 December 2019. Collection method: clinical testing. Allele origin: germline.
Comment: This variant was observed in the ICSL laboratory as part of a predisposition screen in an ostensibly healthy population. It had not been previously curated by ICSL or reported in the Human Gene Mutation Database (HGMD: prior to June 1st, 2018), and was therefore a candidate for classification through an automated scoring system. Utilizing variant allele frequency, disease prevalence and penetrance estimates, and inheritance mode, an automated score was calculated to assess if this variant is too frequent to cause the disease. Based on the score and internal cut-off values, a variant classified as benign is not then subjected to further curation. The score for this variant resulted in a classification of benign for this disease.

Breakthrough Genomics
Classification: Benign. Review status: criteria provided, single submitter. Criteria: ACMG Guidelines, 2015. Collection method: not provided. Allele origin: germline. Inheritance: Autosomal dominant inheritance. Affected: yes.

NM_000726.5(CACNB4):c.*5029T>C

Gene: CACNB4 (calcium voltage-gated channel auxiliary subunit beta 4; minus strand). Cytogenetic location: 2q23.3.
Variant type: single nucleotide variant.
Coding change: c.*5029T>C on transcript NM_000726.5 (MANE Select); 5029 bases downstream of the stop codon, T replaced by C.
Molecular consequence: 3 prime UTR variant.
Genome position (GRCh38, 1-based): chr2:151,834,090, A>G on the plus strand (T>C on the coding strand, the complement: CACNB4 is on the minus strand). VCF-style: chr2-151834090-A-G. GRCh37 (hg19) VCF-style: chr2-152690604-A-G.
Other names: c.*5029T>C (NM_001005746.4, NM_001005747.4, NM_001145798.3 and 7 more transcripts).
Identifiers: ClinVar variation 331561 (VCV000331561.7), dbSNP rs16830412, ClinGen allele CA10610988.